The following is an entry in ClinVar:

NM_021102.4(SPINT2):c.3G>A (p.Met1Ile)

Gene: SPINT2 (serine peptidase inhibitor, Kunitz type 2; plus strand). Cytogenetic location: 19q13.2.
Variant type: single nucleotide variant.
Coding change: c.3G>A on transcript NM_021102.4 (MANE Select); coding-DNA position 3, G replaced by A.
Protein change: p.Met1Ile; changes the start codon (methionine 1).
Molecular consequence: missense variant, initiator codon variant.
Genome position (GRCh38, 1-based): chr19:38,264,895, G>A. VCF-style: chr19-38264895-G-A. GRCh37 (hg19) VCF-style: chr19-38755535-G-A.
Other names: c.3G>A, p.Met1Ile (NM_001166103.2); short protein forms M1I.
Identifiers: ClinVar variation 1394791 (VCV001394791.8), dbSNP rs1968358471, ClinGen allele CA405626597.

ClinVar aggregate classification (germline): Pathogenic (1 of 4 stars; one submission).

Allele frequency attached by ClinVar (database versions not stated): gnomAD exomes below 0.00001.

Submission:

Labcorp Genetics (formerly Invitae), Labcorp
Classification: Pathogenic. Last evaluated: 2022-10-24. Review status: criteria provided, single submitter. Criteria: Invitae Variant Classification Sherloc (09022015). Collection method: clinical testing. Allele origin: germline.
Comment: Disruption of the initiator codon has been observed in individual(s) with congenital tufting enteropathy and/or syndromic congenital sodium diarrhea (PMID: 19185281, 24142340). In at least one individual the data is consistent with being in trans (on the opposite chromosome) from a pathogenic variant. Studies have shown that disruption of the initiator codon alters SPINT2 gene expression (PMID: 19185281). For these reasons, this variant has been classified as Pathogenic. ClinVar contains an entry for this variant (Variation ID: 1394791). This variant is not present in population databases (gnomAD no frequency). This sequence change affects the initiator methionine of the SPINT2 mRNA. The next in-frame methionine is located at codon 51.

Literature cited by the submitters: PubMed 19185281; PubMed 24142340.